The following is an entry in ClinVar:

ClinVar aggregate classification (germline): Conflicting classifications of pathogenicity. Review status: criteria provided, conflicting classifications (1 of 4 stars). 4 submissions from 4 submitters: Uncertain significance (2); Likely benign (2). Last evaluated 2025-08-26.

Conditions:
TTN-related disorder. Also called: TTN-related disorders; TTN-related condition; TTN-related disease.
Cardiovascular phenotype. Identifiers: MedGen CN230736.

Allele frequency attached by ClinVar (database versions not stated): TOPMed 0.00001; ExAC 0.00002; gnomAD exomes 0.00002; ESP Exome Variant Server 0.00008.
gnomAD v4.1: 15 of 1,612,842 alleles (0.00093%); highest among the groups gnomAD compares: Middle Eastern, 0.017%; no homozygotes.

Submissions (4):

PreventionGenetics, part of Exact Sciences
Classification: Uncertain significance for TTN-related condition. Last evaluated: 2025-08-26. Review status: criteria provided, single submitter. Criteria: ACMG Guidelines, 2015. Collection method: clinical testing. Allele origin: germline.
Comment: The TTN c.49701A>G variant is not predicted to result in an amino acid change (p.=). This variant is predicted to alter splicing based on available splicing prediction programs (SpliceAI, Jaganathan et al. 2019. PubMed ID: 30661751). However, the use of computer prediction programs is not equivalent to functional evidence. To our knowledge, this variant has not been reported in the literature. This variant is reported in 0.0036% of alleles in individuals of European (Non-Finnish) descent in gnomAD. At this time, the clinical significance of this variant is uncertain due to the absence of conclusive functional and genetic evidence.

Mayo Clinic Laboratories, Mayo Clinic
Classification: Uncertain significance. Last evaluated: 2021-06-22. Review status: criteria provided, single submitter. Criteria: ACMG Guidelines, 2015. Collection method: clinical testing. Allele origin: germline.

Ambry Genetics
Classification: Likely benign for Cardiovascular phenotype. Last evaluated: 2018-08-24. Review status: criteria provided, single submitter. Criteria: Ambry Variant Classification Scheme 2023. Collection method: clinical testing. Allele origin: germline.

Laboratory for Molecular Medicine, Mass General Brigham Personalized Medicine
Classification: Likely benign. Last evaluated: 2016-02-19. Review status: criteria provided, single submitter. Criteria: LMM Criteria. Collection method: clinical testing. Allele origin: germline. Observed: 1 variant allele.
Comment: p.Ser13999Ser in exon 214 of TTN: This variant is not expected to have clinical significance because it does not alter an amino acid residue and is not located within the splice consensus sequence. It has been identified in 3/66522 European chromosomes by the Exome Aggregation Consortium (ExAC; dbSNP rs369646977).

NM_001267550.2(TTN):c.49701A>G (p.Ser16567=)

Genes: TTN (titin; minus strand), TTN-AS1 (TTN antisense RNA 1; plus strand). Cytogenetic location: 2q31.2.
Variant type: single nucleotide variant.
Coding change: c.49701A>G on transcript NM_001267550.2 (MANE Select); coding-DNA position 49701, A replaced by G.
Protein change: p.Ser16567=; no amino-acid change (serine 16567 retained).
Molecular consequence: synonymous variant.
Genome position (GRCh38, 1-based): chr2:178,613,020, T>C on the plus strand (A>G on the coding strand, the complement: TTN is on the minus strand). VCF-style: chr2-178613020-T-C. GRCh37 (hg19) VCF-style: chr2-179477747-T-C.
Other names: p.Ser14926=; c.41997A>G, p.Ser13999= (NM_133378.4); c.44778A>G, p.Ser14926= (NM_001256850.1); c.22506A>G, p.Ser7502= (NM_003319.4); c.22881A>G, p.Ser7627= (NM_133432.3); c.23082A>G, p.Ser7694= (NM_133437.4).
Identifiers: ClinVar variation 228103 (VCV000228103.12), dbSNP rs369646977, ClinGen allele CA1994529.
Genomic context (GRCh38, chr2:178,613,020, plus strand): 5'-GACATAAGACTCAATCTTTGCACCTCCATCATGTTCTGGTTTTGTCCAATTCAACCTTAC[T>C]GATGTTTTGCCTACATCTTTTACAGTTGGTTTTCCAGGGGGCCATGGAGGATCTGCAAGC-3'
Protein context (NP_001254479.2, residues 16557-16577): KPTVKDVGKT[Ser16567=]VRLNWTKPEH